The following is an entry in ClinVar:

ClinVar aggregate classification (germline): Likely benign (0 of 4 stars; one submission).

Conditions:
CYP3A5-related disorder. Also called: CYP3A5-related condition.

Allele frequency attached by ClinVar (database versions not stated): gnomAD exomes 0.00411; gnomAD 0.03749; 1000 Genomes Project 0.04453; ExAC 0.01198; ESP Exome Variant Server 0.04129; TOPMed 0.04248; 1000 Genomes Project 30x 0.04653.
gnomAD v4.1: 12,036 of 1,614,048 alleles (0.75%); highest among the groups gnomAD compares: African/African-American, 13%; 653 homozygotes.

Submission:

PreventionGenetics, part of Exact Sciences
Classification: Likely benign for CYP3A5-related condition. Last evaluated: 2021-07-21. Review status: no assertion criteria provided. Collection method: clinical testing. Allele origin: germline.
Comment: This variant is classified as likely benign based on ACMG/AMP sequence variant interpretation guidelines (Richards et al. 2015 PMID: 25741868, with internal and published modifications).

NM_000777.5(CYP3A5):c.624G>A (p.Lys208=)

Genes: CYP3A5 (cytochrome P450 family 3 subfamily A member 5; minus strand), ZSCAN25 (zinc finger and SCAN domain containing 25; plus strand). Cytogenetic location: 7q22.1.
Variant type: single nucleotide variant.
Coding change: c.624G>A on transcript NM_000777.5 (MANE Select); coding-DNA position 624, G replaced by A.
Protein change: p.Lys208=; no amino-acid change (lysine 208 retained).
Molecular consequence: synonymous variant. On other transcripts: non-coding transcript variant (1), intron variant (2).
Genome position (GRCh38, 1-based): chr7:99,665,212, C>T on the plus strand (G>A on the coding strand, the complement: CYP3A5 is on the minus strand). VCF-style: chr7-99665212-C-T. GRCh37 (hg19) VCF-style: chr7-99262835-C-T.
Other names: c.285G>A, p.Lys95= (NM_001291829.2); c.594G>A, p.Lys198= (NM_001291830.2); c.806-3883C>T (NM_001350985.2, NM_001350984.2).
Identifiers: ClinVar variation 3039123 (VCV003039123.2), dbSNP rs10264272, ClinGen allele CA4368580.
Genomic context (GRCh38, chr7:99,665,212, plus strand): 5'-AATAGCCCACATACTTATTGAGAGAAATAATGGATCTAAGAAACCAAATTTTAGGAACTT[C>T]TTAGTGCTCTCCACAAAGGGGTCTTGTGGATTGTTGAGAGAGTCGATGTTCACTCCAAAT-3'
Protein context (NP_000768.1, residues 198-218): NPQDPFVEST[Lys208=]KFLKFGFLDP